The following is an entry in ClinVar:

NM_012186.3(FOXE3):c.2del (p.Met1fs)

Genes: FOXE3 (forkhead box E3; plus strand), LINC01389 (long independently transcribed non-coding RNA 1389; minus strand). Cytogenetic location: 1p33.
Variant type: Deletion.
Coding change: c.2del on transcript NM_012186.3 (MANE Select); coding-DNA position 2, one base deleted (T; older notation c.2delT).
Protein change: p.Met1fs; shifts the reading frame from methionine 1.
Molecular consequence: frameshift variant, initiator codon variant.
Genome position (GRCh38, 1-based): chr1:47,416,317, T deleted. VCF-style (leftmost placement, unchanged base first): chr1-47416316-AT-A. GRCh37 (hg19) VCF-style: chr1-47881988-AT-A.
Other names: short protein forms M1fs.
Identifiers: ClinVar variation 1476454 (VCV001476454.9), dbSNP rs2124041028, ClinGen allele CA2573132433.

ClinVar aggregate classification (germline): Uncertain significance (1 of 4 stars; one submission).

Conditions:
Anterior segment dysgenesis. Also called: Ocular anterior segment dysgenesis. Identifiers: Orphanet 88632, MedGen C1862839, MONDO:0019503, HP:0007700.
Congenital primary aphakia. Also called: ANTERIOR SEGMENT DYSGENESIS 2; Anterior segment dysgenesis 2, multiple subtypes. Identifiers: Orphanet 83461, MedGen C1853230, MONDO:0012456, OMIM 610256.

Submission:

Labcorp Genetics (formerly Invitae), Labcorp
Classification: Uncertain significance for Anterior segment dysgenesis; Congenital primary aphakia. Last evaluated: 2024-03-07. Review status: criteria provided, single submitter. Criteria: Invitae Variant Classification Sherloc (09022015). Collection method: clinical testing. Allele origin: germline.
Comment: This sequence change affects the initiator methionine of the FOXE3 mRNA. The next in-frame methionine is located at codon 7. This variant is not present in population databases (gnomAD no frequency). Disruption of the initiator codon has been observed in individual(s) with clinical features of autosomal dominant FOXE3-related conditions (Invitae). ClinVar contains an entry for this variant (Variation ID: 1476454). Experimental studies and prediction algorithms are not available or were not evaluated, and the functional significance of this variant is currently unknown. In summary, the available evidence is currently insufficient to determine the role of this variant in disease. Therefore, it has been classified as a Variant of Uncertain Significance.